The following is an entry in ClinVar:

ClinVar aggregate classification (germline): Benign/Likely benign. Review status: criteria provided, multiple submitters, no conflicts (2 of 4 stars). 6 submissions from 6 submitters: Benign (3); Likely benign (3). Last evaluated 2026-01-29.

Conditions:
Donnai-Barrow syndrome. Also called: DBS/FOAR SYNDROME; FACIOOCULOACOUSTICORENAL SYNDROME. Identifiers: Orphanet 2143, MedGen C1857277, MONDO:0009104, OMIM 222448.

Allele frequency attached by ClinVar (database versions not stated): ExAC 0.00046; ESP Exome Variant Server 0.00146; gnomAD 0.00146 and 0.00154; TOPMed 0.00184; 1000 Genomes Project 30x 0.00265; 1000 Genomes Project 0.00300.
gnomAD v4.1: 465 of 1,614,070 alleles (0.029%); highest among the groups gnomAD compares: African/African-American, 0.48%; 2 homozygotes.

Submissions (6):

Labcorp Genetics (formerly Invitae), Labcorp
Classification: Benign. Last evaluated: 2026-01-29. Review status: criteria provided, single submitter. Criteria: Invitae Variant Classification Sherloc (09022015). Collection method: clinical testing. Allele origin: germline.

Blueprint Genetics
Classification: Likely benign. Last evaluated: 2024-08-28. Review status: criteria provided, single submitter. Criteria: ACMG Guidelines, 2015. Collection method: clinical testing. Allele origin: germline.

CeGaT Center for Human Genetics Tuebingen
Classification: Likely benign. Last evaluated: 2022-12-01. Review status: criteria provided, single submitter. Criteria: CeGaT Center For Human Genetics Tuebingen Variant Classification Criteria Version 2. Collection method: clinical testing. Allele origin: germline. Affected: yes. Observed: 1 variant allele.
Comment: LRP2: BP4, BP7

Fulgent Genetics
Classification: Benign for Donnai-Barrow syndrome. Last evaluated: 2021-07-26. Review status: criteria provided, single submitter. Criteria: ACMG Guidelines, 2015. Collection method: clinical testing. Allele origin: unknown.

Genome-Nilou Lab
Classification: Benign for Donnai-Barrow syndrome. Last evaluated: 2021-07-15. Review status: criteria provided, single submitter. Criteria: ACMG Guidelines, 2015. Collection method: clinical testing. Allele origin: germline. Affected: no.

Illumina Laboratory Services, Illumina
Classification: Likely benign for Donnai-Barrow syndrome. Last evaluated: 2018-01-13. Review status: criteria provided, single submitter. Criteria: ICSL Variant Classification Criteria 13 December 2019. Collection method: clinical testing. Allele origin: germline.
Comment: This variant was observed in the ICSL laboratory as part of a predisposition screen in an ostensibly healthy population. It had not been previously curated by ICSL or reported in the Human Gene Mutation Database (HGMD: prior to June 1st, 2018), and was therefore a candidate for classification through an automated scoring system. Utilizing variant allele frequency, disease prevalence and penetrance estimates, and inheritance mode, an automated score was calculated to assess if this variant is too frequent to cause the disease. Based on the score and internal cut-off values, a variant classified as likely benign is not then subjected to further curation. The score for this variant resulted in a classification of likely benign for this disease.

NM_004525.3(LRP2):c.9147C>T (p.Phe3049=)

Gene: LRP2 (LDL receptor related protein 2; minus strand). Cytogenetic location: 2q31.1.
Variant type: single nucleotide variant.
Coding change: c.9147C>T on transcript NM_004525.3 (MANE Select); coding-DNA position 9147, C replaced by T.
Protein change: p.Phe3049=; no amino-acid change (phenylalanine 3049 retained).
Molecular consequence: synonymous variant.
Genome position (GRCh38, 1-based): chr2:169,188,151, G>A on the plus strand (C>T on the coding strand, the complement: LRP2 is on the minus strand). VCF-style: chr2-169188151-G-A. GRCh37 (hg19) VCF-style: chr2-170044661-G-A.
Identifiers: ClinVar variation 720292 (VCV000720292.40), dbSNP rs146115458, ClinGen allele CA1953655.